The following is an entry in ClinVar:

ClinVar aggregate classification (germline): Benign (1 of 4 stars; one submission).

Allele frequency attached by ClinVar (database versions not stated): 1000 Genomes Project 0.00479; gnomAD 0.00936; gnomAD exomes 0.01162.
gnomAD v4.1: 4,249 of 397,918 alleles (1.1%); highest among the groups gnomAD compares: Non-Finnish European, 1.3%; 37 homozygotes.

Submission:

CeGaT Center for Human Genetics Tuebingen
Classification: Benign. Last evaluated: 2023-07-01. Review status: criteria provided, single submitter. Criteria: CeGaT Center For Human Genetics Tuebingen Variant Classification Criteria Version 2. Collection method: clinical testing. Allele origin: germline. Affected: yes. Observed: 2 variant alleles.
Comment: C4orf50: BS1, BS2

NM_001364689.3(C4orf50):c.473G>A (p.Arg158Gln)

Gene: C4orf50 (chromosome 4 open reading frame 50; minus strand). Cytogenetic location: 4p16.1.
Variant type: single nucleotide variant.
Coding change: c.473G>A on transcript NM_001364689.3 (MANE Select); coding-DNA position 473, G replaced by A.
Protein change: p.Arg158Gln; replaces arginine 158 with glutamine.
Molecular consequence: missense variant. On other transcripts: intron variant (1).
Genome position (GRCh38, 1-based): chr4:6,008,486, C>T on the plus strand (G>A on the coding strand, the complement: C4orf50 is on the minus strand). VCF-style: chr4-6008486-C-T. GRCh37 (hg19) VCF-style: chr4-6010213-C-T.
Other names: c.426+3344G>A (NM_001364690.2); short protein forms R158Q.
Identifiers: ClinVar variation 2654618 (VCV002654618.24), dbSNP rs548929659, ClinGen allele CA91747511.